The following is an entry in ClinVar:

ClinVar aggregate classification (germline): Uncertain significance (1 of 4 stars; one submission).

Conditions:
Developmental and epileptic encephalopathy, 42 (DEE42A). Also called: Epileptic encephalopathy, early infantile, 42; DEVELOPMENTAL AND EPILEPTIC ENCEPHALOPATHY 42A; EPILEPTIC ENCEPHALOPATHY, EARLY INFANTILE, 42A. Identifiers: MedGen C4310716, MONDO:0014917, OMIM 617106.
Episodic ataxia type 2 (EA2). Also called: EPISODIC ATAXIA, NYSTAGMUS-ASSOCIATED; ACETAZOLAMIDE-RESPONSIVE HEREDITARY PAROXYSMAL CEREBELLAR ATAXIA; ATAXIA, EPISODIC, WITH NYSTAGMUS; ATAXIA, FAMILIAL PAROXYSMAL; CEREBELLAR ATAXIA, PAROXYSMAL, ACETAZOLAMIDE-RESPONSIVE; CEREBELLOPATHY, HEREDITARY PAROXYSMAL. Identifiers: Orphanet 97, MedGen C1720416, MONDO:0007163, OMIM 108500.

gnomAD v4.1: 1 of 1,575,178 alleles (0.000063%); highest among the groups gnomAD compares: Non-Finnish European, 0.000085%; no homozygotes.

Submission:

Labcorp Genetics (formerly Invitae), Labcorp
Classification: Uncertain significance for Developmental and epileptic encephalopathy, 42; Episodic ataxia type 2. Last evaluated: 2022-02-05. Review status: criteria provided, single submitter. Criteria: Invitae Variant Classification Sherloc (09022015). Collection method: clinical testing. Allele origin: germline.
Comment: In summary, the available evidence is currently insufficient to determine the role of this variant in disease. Therefore, it has been classified as a Variant of Uncertain Significance. This sequence change replaces glutamine, which is neutral and polar, with histidine, which is basic and polar, at codon 937 of the CACNA1A protein (p.Gln937His). This variant is not present in population databases (gnomAD no frequency). This variant has not been reported in the literature in individuals affected with CACNA1A-related conditions. Advanced modeling of protein sequence and biophysical properties (such as structural, functional, and spatial information, amino acid conservation, physicochemical variation, residue mobility, and thermodynamic stability) performed at Invitae indicates that this missense variant is not expected to disrupt CACNA1A protein function.

NM_001127222.2(CACNA1A):c.2808G>T (p.Gln936His)

Gene: CACNA1A (calcium voltage-gated channel subunit alpha1 A; minus strand). Cytogenetic location: 19p13.13.
Variant type: single nucleotide variant.
Coding change: c.2808G>T on transcript NM_001127222.2 (MANE Select); coding-DNA position 2808, G replaced by T.
Protein change: p.Gln936His; replaces glutamine 936 with histidine.
Molecular consequence: missense variant.
Genome position (GRCh38, 1-based): chr19:13,298,825, C>A on the plus strand (G>T on the coding strand, the complement: CACNA1A is on the minus strand). VCF-style: chr19-13298825-C-A. GRCh37 (hg19) VCF-style: chr19-13409639-C-A.
Other names: c.2820G>T, p.Gln940His (NM_000068.4, NM_023035.3); c.2811G>T, p.Gln937His (NM_001127221.2, NM_001174080.2); short protein forms Q937H, Q940H, Q936H.
Identifiers: ClinVar variation 1388023 (VCV001388023.8), dbSNP rs1439845382, ClinGen allele CA404342673.